The following is an entry in ClinVar:

ClinVar aggregate classification (germline): Uncertain significance (1 of 4 stars; one submission).

gnomAD v4.1: 1 of 1,551,592 alleles (0.000064%); highest among the groups gnomAD compares: Non-Finnish European, 0.000087%; no homozygotes.

Submission:

Labcorp Genetics (formerly Invitae), Labcorp
Classification: Uncertain significance. Last evaluated: 2021-04-25. Review status: criteria provided, single submitter. Criteria: Invitae Variant Classification Sherloc (09022015). Collection method: clinical testing. Allele origin: germline.
Comment: In summary, the available evidence is currently insufficient to determine the role of this variant in disease. Therefore, it has been classified as a Variant of Uncertain Significance. Algorithms developed to predict the effect of missense changes on protein structure and function are either unavailable or do not agree on the potential impact of this missense change (SIFT: "Deleterious"; PolyPhen-2: "Probably Damaging"; Align-GVGD: "Class C0"). This variant has not been reported in the literature in individuals with DTHD1-related conditions. This variant is not present in population databases (ExAC no frequency). This sequence change replaces valine with phenylalanine at codon 56 of the DTHD1 protein (p.Val56Phe). The valine residue is moderately conserved and there is a small physicochemical difference between valine and phenylalanine.

NM_001170700.3(DTHD1):c.1036G>T (p.Val346Phe)

Gene: DTHD1 (death domain containing 1; plus strand). Cytogenetic location: 4p14.
Variant type: single nucleotide variant.
Coding change: c.1036G>T on transcript NM_001170700.3 (MANE Select); coding-DNA position 1036, G replaced by T.
Protein change: p.Val346Phe; replaces valine 346 with phenylalanine.
Molecular consequence: missense variant. On other transcripts: non-coding transcript variant (2).
Genome position (GRCh38, 1-based): chr4:36,290,521, G>T. VCF-style: chr4-36290521-G-T. GRCh37 (hg19) VCF-style: chr4-36292143-G-T.
Other names: c.166G>T, p.Val56Phe (NM_001136536.5, NM_001378435.1); short protein forms V346F, V56F.
Identifiers: ClinVar variation 1486199 (VCV001486199.8), dbSNP rs201684570, ClinGen allele CA356678894.